The following is an entry in ClinVar:

NM_001904.4(CTNNB1):c.1183C>T (p.Gln395Ter)

Genes: CTNNB1 (catenin beta 1; plus strand), LOC126806659 (BRD4-independent group 4 enhancer GRCh37_chr3:41274918-41276117; plus strand). Cytogenetic location: 3p22.1.
Variant type: single nucleotide variant.
Coding change: c.1183C>T on transcript NM_001904.4 (MANE Select); coding-DNA position 1183, C replaced by T.
Protein change: p.Gln395Ter; replaces glutamine 395 with a stop codon.
Molecular consequence: nonsense.
Genome position (GRCh38, 1-based): chr3:41,233,442, C>T. VCF-style: chr3-41233442-C-T. GRCh37 (hg19) VCF-style: chr3-41274933-C-T.
Other names: c.1183C>T, p.Gln395Ter (NM_001098209.2, NM_001098210.2); c.1162C>T, p.Gln388Ter (NM_001330729.2); short protein forms Q388*, Q395*.
Identifiers: ClinVar variation 2441921 (VCV002441921.4), dbSNP rs2125638106, ClinGen allele CA352232368.

ClinVar aggregate classification (germline): Pathogenic. Review status: criteria provided, multiple submitters, no conflicts (2 of 4 stars). 2 submissions from 2 submitters: Pathogenic (2). Last evaluated 2023-10-05.

Conditions:
Severe intellectual disability-progressive spastic diplegia syndrome (NEDSDV). Also called: NEURODEVELOPMENTAL DISORDER WITH SPASTIC DIPLEGIA AND VISUAL DEFECTS; CTNNB1 Neurodevelopmental Disorder. Identifiers: Orphanet 404473, MedGen C3554449, MONDO:0014035, OMIM 615075.

Submissions (2):

Labcorp Genetics (formerly Invitae), Labcorp
Classification: Pathogenic. Last evaluated: 2023-10-05. Review status: criteria provided, single submitter. Criteria: Invitae Variant Classification Sherloc (09022015). Collection method: clinical testing. Allele origin: germline.
Comment: This sequence change creates a premature translational stop signal (p.Gln395*) in the CTNNB1 gene. It is expected to result in an absent or disrupted protein product. Loss-of-function variants in CTNNB1 are known to be pathogenic (PMID: 23033978, 24614104, 25326669, 26350204, 28575650). This variant is not present in population databases (gnomAD no frequency). This variant has not been reported in the literature in individuals affected with CTNNB1-related conditions. ClinVar contains an entry for this variant (Variation ID: 2441921). For these reasons, this variant has been classified as Pathogenic.

Baylor Genetics
Classification: Pathogenic for Severe intellectual disability-progressive spastic diplegia syndrome. Last evaluated: 2021-02-17. Review status: criteria provided, single submitter. Criteria: ACMG Guidelines, 2015. Collection method: clinical testing. Allele origin: unknown.

Literature cited by the submitters: PubMed 23033978 (cited by Labcorp Genetics (formerly Invitae), Labcorp); PubMed 24614104 (cited by Labcorp Genetics (formerly Invitae), Labcorp); PubMed 25326669 (cited by Labcorp Genetics (formerly Invitae), Labcorp); PubMed 26350204 (cited by Labcorp Genetics (formerly Invitae), Labcorp); PubMed 28575650 (cited by Labcorp Genetics (formerly Invitae), Labcorp).